The following is an entry in ClinVar:

NM_002472.3(MYH8):c.3141dup (p.Arg1048fs)

Genes: MYH8 (myosin heavy chain 8; minus strand), MYHAS (myosin heavy chain gene cluster antisense RNA; plus strand), LOC126862494 (BRD4-independent group 4 enhancer GRCh37_chr17:10303826-10305025; plus strand). Cytogenetic location: 17p13.1.
Variant type: Duplication.
Coding change: c.3141dup on transcript NM_002472.3 (MANE Select); coding-DNA position 3141, one base duplicated (T; older notation c.3141dupT).
Protein change: p.Arg1048fs; shifts the reading frame from arginine 1048.
Molecular consequence: frameshift variant.
Genome position (GRCh38, 1-based): chr17:10,401,159, A duplicated on the plus strand (T on the coding strand, the reverse complement: MYH8 is on the minus strand); the first of 2 consecutive A bases (chr17:10,401,159-10,401,160); duplicating either gives the same sequence. VCF-style (leftmost placement, unchanged base first): chr17-10401158-G-GA. GRCh37 (hg19) VCF-style: chr17-10304475-G-GA.
Other names: short protein forms R1048fs.
Identifiers: ClinVar variation 5002926 (VCV005002926.1).
Genomic context (GRCh38, chr17:10,401,158, plus strand): 5'-ATTCTTGGGCCAATTTGAGGTCACCCTCCAGTTTCCGCTTTGCTCTTTCTAGATCCATTC[G>GA]AAGCTTCTTTTCTTGTTCCAGAGACCCTTCAAGCTAATAAGAAAGTAAATATGGTAAAAA-3'

ClinVar aggregate classification (germline): Uncertain significance (1 of 4 stars; one submission).

Submission:

OLLIN Analises Genomicas, OLLIN
Classification: Uncertain significance. Last evaluated: 2026-08-06. Review status: criteria provided, single submitter. Criteria: ACMG Guidelines 2015 PMID 25741868. Collection method: clinical testing. Allele origin: germline.
Comment: This frameshift variant, located in exon 25 (of 40), is absent from gnomAD and ClinVar and has not been identified in the literature. This variant causes a frameshift and introduces a premature stop codon, which is predicted to result in either a truncated protein or degradation of the mRNA via nonsense-mediated decay (NMD). According to the currently available evidence, this variant has been classified as uncertain significance (PM2_P).